The following is an entry in ClinVar:

ClinVar aggregate classification (germline): Benign/Likely benign. Review status: criteria provided, multiple submitters, no conflicts (2 of 4 stars). 10 submissions from 10 submitters: Benign (3); Likely benign (5). 2 of the submissions do not count toward it. Last evaluated 2026-02-03.

Conditions:
BRCA1-related disorder. Also called: BRCA1-related condition.
Hereditary cancer-predisposing syndrome. Also called: Tumor predisposition; Neoplastic Syndromes, Hereditary; Hereditary Cancer Syndrome; Hereditary neoplastic syndrome. Identifiers: Orphanet 140162, MedGen C0027672, MeSH D009386, MONDO:0015356.
Hereditary breast ovarian cancer syndrome. Also called: Hereditary breast and ovarian cancer syndrome (HBOC); Hereditary breast and ovarian cancer syndrome; Hereditary breast and ovarian cancer; Hereditary breast and/or ovarian cancer syndrome; Breast and ovarian cancer; BRCA1- and BRCA2-Associated Hereditary Breast and Ovarian Cancer. Identifiers: Orphanet 145, MedGen C0677776, MeSH D061325, MONDO:0003582. Disease mechanism: loss of function.
Breast-ovarian cancer, familial, susceptibility to, 1 (BROVCA1). Also called: OVARIAN CANCER, SUSCEPTIBILITY TO; BRCA1 Hereditary Breast and Ovarian Cancer. Identifiers: Orphanet 145, MedGen C2676676, MONDO:0011450, OMIM 604370. Disease mechanism: loss of function.

Allele frequency attached by ClinVar (database versions not stated): TOPMed 0.00016; 1000 Genomes Project 30x 0.00031; 1000 Genomes Project 0.00040.
gnomAD v4.1: 60 of 1,610,800 alleles (0.0037%); highest among the groups gnomAD compares: African/African-American, 0.067%; no homozygotes.

Submissions (11):

PreventionGenetics, part of Exact Sciences
Classification: Likely benign for BRCA1-related condition. Last evaluated: 2026-02-03. Review status: criteria provided, single submitter. Criteria: ACMG Guidelines, 2015. Collection method: clinical testing. Allele origin: germline.
Comment: This variant is classified as likely benign based on ACMG/AMP sequence variant interpretation guidelines (Richards et al. 2015 PMID: 25741868, with internal and published modifications).

Labcorp Genetics (formerly Invitae), Labcorp
Classification: Benign for Hereditary breast ovarian cancer syndrome. Last evaluated: 2026-01-04. Review status: criteria provided, single submitter. Criteria: Invitae Variant Classification Sherloc (09022015). Collection method: clinical testing. Allele origin: germline.

ARUP Laboratories, Molecular Genetics and Genomics, ARUP Laboratories
Classification: Benign. Last evaluated: 2024-12-12. Review status: criteria provided, single submitter. Criteria: ARUP Molecular Germline Variant Investigation Process 2024. Collection method: clinical testing. Allele origin: germline.

All of Us Research Program, National Institutes of Health
Classification: Likely benign for Breast-ovarian cancer, familial, susceptibility to, 1. Last evaluated: 2023-12-18. Review status: criteria provided, single submitter. Criteria: ACMG Guidelines, 2015. Collection method: clinical testing. Allele origin: germline. Inheritance: Autosomal dominant inheritance. Observed: 11 variant alleles, 11 heterozygotes.
Comment: This study involves interpretation of variants in research participants for the purpose of population health screening. Participant phenotype was not available at the time of variant classification. Additional details can be found in publication PMID: 35346344, PMCID: PMC8962531

Women's Health and Genetics/Laboratory Corporation of America, LabCorp
Classification: Benign. Last evaluated: 2022-03-21. Review status: criteria provided, single submitter. Criteria: LabCorp Variant Classification Summary - May 2015. Collection method: clinical testing. Allele origin: germline.
Comment: Variant summary: BRCA1 c.81-13C>A alters a non-conserved nucleotide located close to a canonical splice site and therefore could affect mRNA splicing, leading to a significantly altered protein sequence. Several computational tools predict a significant impact on normal splicing: two predict the variant abolishes a 3' acceptor site, two predict the variant weakens a 3' acceptor site. However, two functional studies showed that this variant does not affect splicing (Thery 2011, Houdayer 2012). The variant allele was found at a frequency of 6.1e-05 in 246308 control chromosomes, predominantly within the African subpopulation at a frequency of 0.00069 in the gnomAD database. This frequency is close to the estimated maximal expected allele frequency for a pathogenic variant in BRCA1 causing Hereditary Breast and Ovarian Cancer (0.001). In addition, the variant was reported in 4 / 2559 African American women (i.e. with a frequency of 0.001563), who were older than 70 years of age, and never had cancer (in the FLOSSIES database). These data suggest that the variant is likely a benign polymorphism found primarily in the populations of African origin. This report does not provide unequivocal conclusions about association of the variant with Hereditary Breast and Ovarian Cancer. Several co-occurrences with other (potentially) pathogenic variants have been observed (in the BIC database: BRCA1 c.5165C>T, p.Ser1722Phe; at our laboratory: BRCA2 c.3264dupT, p.Gln1089fsX10, BRCA1 c.2624delC, p.Pro875fs), providing supporting evidence for a benign role. At least one publication reported experimental evidence evaluating an impact on protein function. These results showed no damaging effect of this variant on Homology Directed Repair (HDR) activity (Findlay 2018). Four clinical diagnostic laboratories have submitted clinical-significance assessments for this variant to ClinVar after 2014 without evidence for independent evaluation. All laboratories classified the variant as benign (1x) or likely benign (3x). Based on the evidence outlined above, the variant was classified as benign.

Sema4
Classification: Likely benign for Hereditary cancer-predisposing syndrome. Last evaluated: 2021-03-29. Review status: criteria provided, single submitter. Criteria: Sema4 Curation Guidelines. Collection method: curation. Allele origin: germline.

GeneDx
Classification: Likely benign. Last evaluated: 2020-10-06. Review status: criteria provided, single submitter. Criteria: GeneDx Variant Classification Process June 2021. Collection method: clinical testing. Allele origin: germline. Affected: yes.
Comment: Thry JC et al. (2011) European journal of human genetics : EJHG 19 (10):1052-8 (PMID: 21673748); This variant is associated with the following publications: (PMID: 23893897, 21673748, 22505045, 21523855, 26287763, 30209399)

Color Diagnostics, LLC DBA Color Health
Classification: Likely benign for Hereditary cancer-predisposing syndrome. Last evaluated: 2016-10-14. Review status: criteria provided, single submitter. Criteria: ACMG Guidelines, 2015. Collection method: clinical testing. Allele origin: germline.

Sharing Clinical Reports Project (SCRP)
Classification: Benign for Breast-ovarian cancer, familial 1. Last evaluated: 2008-03-11. Review status: no assertion criteria provided. Collection method: clinical testing. Allele origin: germline. Not counted in ClinVar's aggregate classification.

Breast Cancer Information Core (BIC) (BRCA1)
Classification: Uncertain significance for Breast-ovarian cancer, familial 1. Last evaluated: 2003-12-23. Review status: no assertion criteria provided. Collection method: clinical testing. Allele origin: germline. Affected: yes. Observed: 1 variant allele. Not counted in ClinVar's aggregate classification.

Brotman Baty Institute, University of Washington
No classification provided (evidence only). Condition: Breast-ovarian cancer, familial 1. Review status: no classification provided. Collection method: in vitro. Allele origin: not applicable. Functional consequence: functionally_normal. Not counted in ClinVar's aggregate classification.
ClinVar note: "not provided" was previously submitted as the classification for the variant. However, the classification appeared to be based only on an observation of functional data so it was converted to no classification on 2025-07-30.

Literature cited by the submitters: PubMed 22505045 (cited by Women's Health and Genetics/Laboratory Corporation of America, LabCorp); PubMed 21673748 (cited by Women's Health and Genetics/Laboratory Corporation of America, LabCorp); PubMed 21523855 (cited by Women's Health and Genetics/Laboratory Corporation of America, LabCorp); PubMed 26287763 (cited by Women's Health and Genetics/Laboratory Corporation of America, LabCorp); PubMed 26913838 (cited by Women's Health and Genetics/Laboratory Corporation of America, LabCorp); PubMed 30209399 (cited by Women's Health and Genetics/Laboratory Corporation of America, LabCorp).

NM_007294.4(BRCA1):c.81-13C>A

Gene: BRCA1 (BRCA1 DNA repair associated; minus strand). Cytogenetic location: 17q21.31.
Variant type: single nucleotide variant.
Coding change: c.81-13C>A on transcript NM_007294.4 (MANE Select); 13 bases into the intron before coding-DNA position 81, C replaced by A.
Molecular consequence: intron variant.
Genome position (GRCh38, 1-based): chr17:43,115,792, G>T on the plus strand (C>A on the coding strand, the complement: BRCA1 is on the minus strand). VCF-style: chr17-43115792-G-T. GRCh37 (hg19) VCF-style: chr17-41267809-G-T.
Other names: IVS2-13C>A; c.-61-13C>A (NM_001408458.1, NM_001408470.1, NM_001407848.1 and 47 more transcripts); c.-219+9485C>A (NM_001407967.1); c.-170+9485C>A (NM_001407959.1); c.-7-9259C>A (NM_001407931.1, NM_001407747.1, NM_001408511.1 and 2 more transcripts); c.-223-13C>A (NM_001407962.1, NM_001408512.1, NM_001408510.1 and 1 more transcripts); c.-108-13C>A (NM_001407885.1, NM_001407886.1, NM_001408509.1 and 52 more transcripts); c.-177-13C>A (NM_001407746.1, NM_001408468.1, NM_001407842.1 and 13 more transcripts); and 11 more.
Identifiers: ClinVar variation 37700 (VCV000037700.31), dbSNP rs56328013, ClinGen allele CA003900.